The following is an entry in ClinVar:

ClinVar aggregate classification (germline): Uncertain significance (1 of 4 stars; one submission).

Conditions:
Neuropathy, hereditary sensory and autonomic, type 2A (HSAN2A). Also called: ACROOSTEOLYSIS, GIACCAI TYPE; ACROOSTEOLYSIS, NEUROGENIC; MORVAN DISEASE; NEUROPATHY, CONGENITAL SENSORY; NEUROPATHY, HEREDITARY SENSORY RADICULAR, AUTOSOMAL RECESSIVE; NEUROPATHY, HEREDITARY SENSORY, TYPE IIA. Identifiers: Orphanet 970, MedGen C2752089, MONDO:0024309, OMIM 201300.
Pseudohypoaldosteronism type 2C (PHA2C). Also called: Pseudohypoaldosteronism Type IIC. Identifiers: Orphanet 757, Orphanet 88940, MedGen C1840391, MONDO:0013778, OMIM 614492.

gnomAD v4.1: 3 of 1,614,116 alleles (0.00019%); highest among the groups gnomAD compares: African/African-American, 0.0027%; no homozygotes.

Submission:

Labcorp Genetics (formerly Invitae), Labcorp
Classification: Uncertain significance for Neuropathy, hereditary sensory and autonomic, type 2A; Pseudohypoaldosteronism type 2C. Last evaluated: 2021-11-25. Review status: criteria provided, single submitter. Criteria: Invitae Variant Classification Sherloc (09022015). Collection method: clinical testing. Allele origin: germline.
Comment: Algorithms developed to predict the effect of sequence changes on RNA splicing suggest that this variant is not likely to affect RNA splicing. This sequence change affects codon 437 of the WNK1 mRNA. It is a 'silent' change, meaning that it does not change the encoded amino acid sequence of the WNK1 protein. It affects a nucleotide within the consensus splice site. This variant is not present in population databases (gnomAD no frequency). This variant has not been reported in the literature in individuals affected with WNK1-related conditions. In summary, the available evidence is currently insufficient to determine the role of this variant in disease. Therefore, it has been classified as a Variant of Uncertain Significance.

NM_018979.4(WNK1):c.1311T>C (p.Ser437=)

Gene: WNK1 (WNK lysine deficient protein kinase 1; plus strand). Cytogenetic location: 12p13.33.
Variant type: single nucleotide variant.
Coding change: c.1311T>C on transcript NM_018979.4 (MANE Select); coding-DNA position 1311, T replaced by C.
Protein change: p.Ser437=; no amino-acid change (serine 437 retained).
Molecular consequence: synonymous variant.
Genome position (GRCh38, 1-based): chr12:830,160, T>C. VCF-style: chr12-830160-T-C. GRCh37 (hg19) VCF-style: chr12-939326-T-C.
Other names: c.1311T>C, p.Ser437= (NM_001184985.2, NM_014823.3, NM_213655.5).
Identifiers: ClinVar variation 1384302 (VCV001384302.6), dbSNP rs2154027994, ClinGen allele CA477851556.